The following is an entry in ClinVar:

NM_024426.6(WT1):c.1448-49T>C

Gene: WT1 (WT1 transcription factor; minus strand). Cytogenetic location: 11p13.
Variant type: single nucleotide variant.
Coding change: c.1448-49T>C on transcript NM_024426.6 (MANE Select); 49 bases into the intron before coding-DNA position 1448, T replaced by C.
Molecular consequence: intron variant.
Genome position (GRCh38, 1-based): chr11:32,389,228, A>G on the plus strand (T>C on the coding strand, the complement: WT1 is on the minus strand). VCF-style: chr11-32389228-A-G. GRCh37 (hg19) VCF-style: chr11-32410774-A-G.
Other names: c.1274-49T>C (NM_001407050.1); c.1316-49T>C (NM_001407047.1); c.1307-49T>C (NM_001407048.1); c.1304-49T>C (NM_001407049.1); c.1388-49T>C (NM_000378.6); c.1397-49T>C (NM_001407045.1); c.1433-49T>C (NM_001407044.1); c.1355-49T>C (NM_001407046.1); and 5 more.
Identifiers: ClinVar variation 261709 (VCV000261709.8), dbSNP rs1799937, ClinGen allele CA064610.

ClinVar aggregate classification (germline): Benign. Review status: criteria provided, multiple submitters, no conflicts (2 of 4 stars). 10 submissions from 6 submitters: Benign (10). Last evaluated 2024-07-15.

Conditions:
Nephrotic syndrome, type 4 (NPHS4). Also called: Familial mesangial sclerosis; Nephrotic syndrome, early onset with diffuse mesangial sclerosis. Identifiers: Orphanet 656, MedGen C3151568, MONDO:0009733, OMIM 256370.
Frasier syndrome. Identifiers: Orphanet 347, MedGen C0950122, MeSH D052159, MONDO:0007635, OMIM 136680.
Drash syndrome (DDS). Also called: NEPHROPATHY, WILMS TUMOR, AND GENITAL ANOMALIES; WILMS TUMOR AND PSEUDO- OR TRUE HERMAPHRODITISM. Identifiers: Orphanet 220, MedGen C0950121, MONDO:0008682, OMIM 194080.
Wilms tumor 1 (WT1). Also called: Wilms tumor, somatic. Identifiers: Orphanet 654, MedGen CN033288, MONDO:0008679, OMIM 194070.
Meacham syndrome. Also called: Meacham Winn Culler syndrome. Identifiers: Orphanet 3097, MedGen C1837026, MONDO:0012164, OMIM 608978.

Allele frequency attached by ClinVar (database versions not stated): gnomAD 0.35609 and 0.34839; gnomAD exomes 0.34935 and 0.27293; 1000 Genomes Project 0.50799; ExAC 0.34658; TOPMed 0.37590; ESP Exome Variant Server 0.33403; 1000 Genomes Project 30x 0.50578.
gnomAD v4.1: 455,246 of 1,612,978 alleles (28%); highest among the groups gnomAD compares: East Asian, 69%; 75,743 homozygotes.

Submissions (10):

Unidad de Genómica Garrahan, Hospital de Pediatría Garrahan
Classification: Benign. Last evaluated: 2024-07-15. Review status: criteria provided, single submitter. Criteria: ACMG Guidelines, 2015. Collection method: clinical testing. Allele origin: germline. Affected: no. Observed: 54 variant alleles.
Comment: This variant is classified as Benign based on local population frequency. This variant was detected in 58% of patients studied in a panel designed for Epileptic and Developmental Encephalopathy and Progressive Myoclonus Epilepsy. Number of patients: 54. Only high quality variants are reported.

KCCC/NGS Laboratory, Kuwait Cancer Control Center
Classification: Benign for Wilms tumor 1. Last evaluated: 2023-07-07. Review status: criteria provided, single submitter. Criteria: ACMG Guidelines, 2015. Collection method: clinical testing. Allele origin: germline. Affected: yes.

Genome-Nilou Lab
Classification: Benign for Drash syndrome. Last evaluated: 2021-12-05. Review status: criteria provided, single submitter. Criteria: ACMG Guidelines, 2015. Collection method: clinical testing. Allele origin: germline. Affected: no.

Genome-Nilou Lab
Classification: Benign for Frasier syndrome. Last evaluated: 2021-12-05. Review status: criteria provided, single submitter. Criteria: ACMG Guidelines, 2015. Collection method: clinical testing. Allele origin: germline. Affected: no.

Genome-Nilou Lab
Classification: Benign for Meacham syndrome. Last evaluated: 2021-12-05. Review status: criteria provided, single submitter. Criteria: ACMG Guidelines, 2015. Collection method: clinical testing. Allele origin: germline. Affected: no.

Genome-Nilou Lab
Classification: Benign for Nephrotic syndrome, type 4. Last evaluated: 2021-12-05. Review status: criteria provided, single submitter. Criteria: ACMG Guidelines, 2015. Collection method: clinical testing. Allele origin: germline. Affected: no.

Genome-Nilou Lab
Classification: Benign for Wilms tumor 1. Last evaluated: 2021-12-05. Review status: criteria provided, single submitter. Criteria: ACMG Guidelines, 2015. Collection method: clinical testing. Allele origin: germline. Affected: no.

GeneDx
Classification: Benign. Last evaluated: 2018-06-18. Review status: criteria provided, single submitter. Criteria: GeneDx Variant Classification (06012015). Collection method: clinical testing. Allele origin: germline. Affected: yes.
Comment: This variant is considered likely benign or benign based on one or more of the following criteria: it is a conservative change, it occurs at a poorly conserved position in the protein, it is predicted to be benign by multiple in silico algorithms, and/or has population frequency not consistent with disease.

Breakthrough Genomics
Classification: Benign. Review status: criteria provided, single submitter. Criteria: ACMG Guidelines, 2015. Collection method: not provided. Allele origin: germline. Inheritance: Autosomal dominant inheritance. Affected: yes.

PreventionGenetics, part of Exact Sciences
Classification: Benign. Review status: criteria provided, single submitter. Criteria: ACMG Guidelines, 2015. Collection method: clinical testing. Allele origin: germline.